The following is an entry in ClinVar:

ClinVar aggregate classification (germline): Pathogenic. Review status: criteria provided, single submitter (1 of 4 stars). 2 submissions from 1 submitter: Pathogenic (2). Last evaluated 2022-06-27.

Conditions:
Mucopolysaccharidosis type 7 (MPS7). Also called: BETA-GLUCURONIDASE DEFICIENCY; MPS VII; GUSB DEFICIENCY; SLY SYNDROME. Identifiers: Orphanet 584, MedGen C0085132, MONDO:0009662, OMIM 253220.
Argininosuccinate lyase deficiency. Also called: ARGININOSUCCINIC ACID LYASE DEFICIENCY; ASL DEFICIENCY; Argininosuccinic aciduria. Identifiers: Orphanet 23, MedGen C0268547, MONDO:0008815, OMIM 207900, HP:0025630.

Submissions (2):

Labcorp Genetics (formerly Invitae), Labcorp
Classification: Pathogenic for Mucopolysaccharidosis type 7. Last evaluated: 2022-06-27. Review status: criteria provided, single submitter. Criteria: Invitae Variant Classification Sherloc (09022015). Collection method: clinical testing. Allele origin: germline.
Comment: A gross deletion of the genomic region encompassing the full coding sequence of the GUSB gene has been identified. Loss-of-function variants in GUSB are known to be pathogenic (PMID: 19224584). The boundaries of this event are unknown as they extend beyond the assayed region for this gene and therefore may encompass additional genes. This variant has not been reported in the literature in individuals affected with GUSB-related conditions. For these reasons, this variant has been classified as Pathogenic.

Labcorp Genetics (formerly Invitae), Labcorp
Classification: Pathogenic for Argininosuccinate lyase deficiency. Last evaluated: 2019-06-28. Review status: criteria provided, single submitter. Criteria: Invitae Variant Classification Sherloc (09022015). Collection method: clinical testing. Allele origin: germline.
Comment: A gross deletion of the genomic region encompassing the full coding sequence of the ASL gene has been identified. The boundaries of this event are unknown as the deletion extends beyond the assayed region for this gene and therefore may encompass additional genes. This deletion has not been reported in the literature in individuals with ASL-related conditions. Loss-of-function variants in ASL are known to be pathogenic (PMID: 2263616, 24166829). For these reasons, this variant has been classified as Pathogenic.

Literature cited by the submitters: PubMed 19224584.

NC_000007.14:g.(?_65960877)_(66092932_?)del

Genes: ASL (argininosuccinate lyase; plus strand), GUSB (glucuronidase beta; minus strand). Cytogenetic location: 7q11.21.
Variant type: Deletion.
Identifiers: ClinVar variation 833035 (VCV000833035.6).